The following is an entry in ClinVar:

ClinVar aggregate classification (germline): Likely pathogenic (1 of 4 stars; one submission).

Conditions:
Mowat-Wilson syndrome (MOWS). Also called: Classic Mowat-Wilson Syndrome. Identifiers: Orphanet 2152, MedGen C1856113, MONDO:0009341, OMIM 235730.

Submission:

3billion
Classification: Likely pathogenic for Mowat-Wilson syndrome. Last evaluated: 2022-09-01. Review status: criteria provided, single submitter. Criteria: ACMG Guidelines, 2015. Collection method: clinical testing. Allele origin: germline. Affected: yes. Observed: 1 heterozygote.
Comment: The variant is not observed in the gnomAD v2.1.1 dataset. Frameshift variant is predicted to result in a loss or disruption of normal protein function through protein truncation. The predicted truncated protein may be shortened by more than 10%. Therefore, this variant is classified as Likely pathogenic according to the recommendation of ACMG/AMP guideline.

NM_014795.4(ZEB2):c.3227dup (p.His1076fs)

Gene: ZEB2 (zinc finger E-box binding homeobox 2; minus strand). Cytogenetic location: 2q22.3.
Variant type: Duplication.
Coding change: c.3227dup on transcript NM_014795.4 (MANE Select); coding-DNA position 3227, one base duplicated (A; older notation c.3227dupA).
Protein change: p.His1076fs; shifts the reading frame from histidine 1076.
Molecular consequence: frameshift variant.
Genome position (GRCh38, 1-based): chr2:144,389,869, T duplicated on the plus strand (A on the coding strand, the reverse complement: ZEB2 is on the minus strand). VCF-style (leftmost placement, unchanged base first): chr2-144389868-G-GT. GRCh37 (hg19) VCF-style: chr2-145147435-G-GT.
Other names: c.3155dup, p.His1052fs (NM_001171653.2); short protein forms H1052fs, H1076fs.
Identifiers: ClinVar variation 1705535 (VCV001705535.1), dbSNP rs2549101895, ClinGen allele CA2580063844.
Genomic context (GRCh38, chr2:144,389,868, plus strand): 5'-GCGCGCCTCGCGCTCCGCCGCTTCCCGCTCCTCCGCCTCCCGCTTGCAGTAGGAATACCT[G>GT]TGATTCATGTGCTGCGAGTACGAGCCCGAGTGTGAGAAGCGCTTGCCACATTTATCACAC-3'